The following is an entry in ClinVar:

NM_001009944.3(PKD1):c.6113T>A (p.Ile2038Asn)

Gene: PKD1 (polycystin 1, transient receptor potential channel interacting; minus strand). Cytogenetic location: 16p13.3.
Variant type: single nucleotide variant.
Coding change: c.6113T>A on transcript NM_001009944.3 (MANE Select); coding-DNA position 6113, T replaced by A.
Protein change: p.Ile2038Asn; replaces isoleucine 2038 with asparagine.
Molecular consequence: missense variant.
Genome position (GRCh38, 1-based): chr16:2,109,054, A>T on the plus strand (T>A on the coding strand, the complement: PKD1 is on the minus strand). VCF-style: chr16-2109054-A-T. GRCh37 (hg19) VCF-style: chr16-2159055-A-T.
Other names: c.6113T>A, p.Ile2038Asn (NM_000296.4); short protein forms I2038N.
Identifiers: ClinVar variation 2636257 (VCV002636257.1), dbSNP rs2544805859, ClinGen allele CA394374346.

ClinVar aggregate classification (germline): Uncertain significance (1 of 4 stars; one submission).

Conditions:
PKD1-related disorder. Also called: PKD1-related condition.

Submission:

PreventionGenetics, part of Exact Sciences
Classification: Uncertain significance for PKD1-related condition. Last evaluated: 2022-08-21. Review status: criteria provided, single submitter. Criteria: ACMG Guidelines, 2015. Collection method: clinical testing. Allele origin: germline.
Comment: The PKD1 c.6113T>A variant is predicted to result in the amino acid substitution p.Ile2038Asn. The p.Ile2038 residue is highly conserved during evolution. To our knowledge, this variant has not been reported in the literature or in a large population database, indicating this variant is rare. Although this variant could be pathogenic, at this time, the clinical significance of this variant is uncertain due to the absence of conclusive functional and genetic evidence.